The following is an entry in ClinVar:

ClinVar aggregate classification (germline): Likely benign. Review status: criteria provided, multiple submitters, no conflicts (2 of 4 stars). 8 submissions from 8 submitters: Likely benign (8). Last evaluated 2026-01-18.

Conditions:
Dilated cardiomyopathy 1AA (CMD1AA). Also called: CARDIOMYOPATHY, DILATED, 1AA, WITH OR WITHOUT LEFT VENTRICULAR NONCOMPACTION; CARDIOMYOPATHY, FAMILIAL HYPERTROPHIC, 23, WITH OR WITHOUT LEFT VENTRICULAR NONCOMPACTION; Cardiomyopathy, dilated, 1AA, with or without LVNC. Identifiers: Orphanet 154, MedGen C2677338, MONDO:0012808, OMIM 612158.
Myopathy, congenital, with structured cores and z-line abnormalities. Also called: MULTIPLE STRUCTURED CORE DISEASE; CONGENITAL MYOPATHY 8. Identifiers: MedGen C5231445, MONDO:0032852, OMIM 618654.
Myopathy, distal, 6, adult-onset, autosomal dominant. Identifiers: MedGen C5203349, MONDO:0032853, OMIM 618655.
ACTN2-related disorder. Also called: ACTN2-related disorders; ACTN2 related condition.
Cardiovascular phenotype. Identifiers: MedGen CN230736.
Primary familial hypertrophic cardiomyopathy (HCM). Identifiers: Orphanet 99739, MedGen C0949658, MeSH D024741, MONDO:0024573. Inheritance: Various modes of inheritance.

Allele frequency attached by ClinVar (database versions not stated): TOPMed 0.00002; gnomAD 0.00003; gnomAD exomes 0.00003 and 0.00004; ExAC 0.00004.
gnomAD v4.1: 50 of 1,613,720 alleles (0.0031%); highest among the groups gnomAD compares: South Asian, 0.024%; 2 homozygotes.

Submissions (8):

Labcorp Genetics (formerly Invitae), Labcorp
Classification: Likely benign for Primary familial hypertrophic cardiomyopathy; Dilated cardiomyopathy 1AA. Last evaluated: 2026-01-18. Review status: criteria provided, single submitter. Criteria: Invitae Variant Classification Sherloc (09022015). Collection method: clinical testing. Allele origin: germline.

PreventionGenetics, part of Exact Sciences
Classification: Likely benign for ACTN2-related condition. Last evaluated: 2025-12-18. Review status: criteria provided, single submitter. Criteria: ACMG Guidelines, 2015. Collection method: clinical testing. Allele origin: germline.
Comment: This variant is classified as likely benign based on ACMG/AMP sequence variant interpretation guidelines (Richards et al. 2015 PMID: 25741868, with internal and published modifications).

Molecular Diagnostic Laboratory for Inherited Cardiovascular Disease, Montreal Heart Institute
Classification: Likely benign. Last evaluated: 2025-04-09. Review status: criteria provided, single submitter. Criteria: ACMG Guidelines, 2015. Collection method: clinical testing. Allele origin: germline. Affected: no.

CeGaT Center for Human Genetics Tuebingen
Classification: Likely benign. Last evaluated: 2024-03-01. Review status: criteria provided, single submitter. Criteria: CeGaT Center For Human Genetics Tuebingen Variant Classification Criteria Version 2. Collection method: clinical testing. Allele origin: germline. Affected: yes. Observed: 1 variant allele.
Comment: ACTN2: BP4, BP7

Fulgent Genetics
Classification: Likely benign for Dilated cardiomyopathy 1AA; Myopathy, congenital, with structured cores and z-line abnormalities; Myopathy, distal, 6, adult-onset, autosomal dominant. Last evaluated: 2021-09-23. Review status: criteria provided, single submitter. Criteria: ACMG Guidelines, 2015. Collection method: clinical testing. Allele origin: unknown.

Ambry Genetics
Classification: Likely benign for Cardiovascular phenotype. Last evaluated: 2019-08-19. Review status: criteria provided, single submitter. Criteria: Ambry Variant Classification Scheme 2023. Collection method: clinical testing. Allele origin: germline.

GeneDx
Classification: Likely benign. Last evaluated: 2018-05-15. Review status: criteria provided, single submitter. Criteria: GeneDx Variant Classification Process June 2021. Collection method: clinical testing. Allele origin: germline. Affected: yes.
Comment: This variant is associated with the following publications: (PMID: 24503780)

Laboratory for Molecular Medicine, Mass General Brigham Personalized Medicine
Classification: Likely benign. Last evaluated: 2011-06-30. Review status: criteria provided, single submitter. Criteria: LMM Criteria. Collection method: clinical testing. Allele origin: germline. Observed: 1 variant allele.

Literature cited by the submitters: PubMed 24503780 (cited by Ambry Genetics).

NM_001103.4(ACTN2):c.2676C>T (p.Ser892=)

Gene: ACTN2 (actinin alpha 2; plus strand). Cytogenetic location: 1q43.
Variant type: single nucleotide variant.
Coding change: c.2676C>T on transcript NM_001103.4 (MANE Select); coding-DNA position 2676, C replaced by T.
Protein change: p.Ser892=; no amino-acid change (serine 892 retained).
Molecular consequence: synonymous variant.
Genome position (GRCh38, 1-based): chr1:236,762,610, C>T. VCF-style: chr1-236762610-C-T. GRCh37 (hg19) VCF-style: chr1-236925910-C-T.
Other names: c.2676C>T, p.Ser892= (NM_001278343.2); c.2052C>T, p.Ser684= (NM_001278344.2).
Identifiers: ClinVar variation 43935 (VCV000043935.51), dbSNP rs397516578, ClinGen allele CA133194.